The following is an entry in ClinVar:

ClinVar aggregate classification (germline): Benign/Likely benign. Review status: criteria provided, multiple submitters, no conflicts (2 of 4 stars). 8 submissions from 8 submitters: Benign (2); Likely benign (5). 1 of the submissions does not count toward it. Last evaluated 2025-11-25.

Conditions:
Hereditary nonpolyposis colorectal neoplasms. Identifiers: MedGen C0009405, MeSH D003123.
Hereditary cancer-predisposing syndrome. Also called: Neoplastic Syndromes, Hereditary; Hereditary neoplastic syndrome; Tumor predisposition; Hereditary Cancer Syndrome. Identifiers: Orphanet 140162, MedGen C0027672, MeSH D009386, MONDO:0015356.
Lynch syndrome. Identifiers: Orphanet 144, MedGen C4552100, MONDO:0005835. Disease mechanism: loss of function.
Lynch syndrome 5 (LYNCH5). Also called: Colorectal cancer, hereditary nonpolyposis, type 5; Hereditary non-polyposis colorectal cancer, type 5. Identifiers: Orphanet 144, MedGen C1833477, MONDO:0013710, OMIM 614350. Disease mechanism: loss of function.

gnomAD v4.1: 4 of 1,613,974 alleles (0.00025%); highest among the groups gnomAD compares: Admixed American, 0.0033%; no homozygotes.

Submissions (8):

Labcorp Genetics (formerly Invitae), Labcorp
Classification: Likely benign for Hereditary nonpolyposis colorectal neoplasms. Last evaluated: 2025-11-25. Review status: criteria provided, single submitter. Criteria: Invitae Variant Classification Sherloc (09022015). Collection method: clinical testing. Allele origin: germline.

Blueprint Genetics
Classification: Likely benign. Last evaluated: 2024-09-30. Review status: criteria provided, single submitter. Criteria: ACMG Guidelines, 2015. Collection method: clinical testing. Allele origin: germline.

Myriad Genetics, Inc.
Classification: Benign for Lynch syndrome 5. Last evaluated: 2023-03-30. Review status: criteria provided, single submitter. Criteria: Myriad Autosomal Dominant, Autosomal Recessive and X-Linked Classification Criteria (2023). Collection method: clinical testing. Allele origin: unknown.
Comment: This variant is considered benign. This variant is a silent/synonymous amino acid change and it is not expected to impact splicing.

Quest Diagnostics Nichols Institute San Juan Capistrano
Classification: Likely benign. Last evaluated: 2022-10-18. Review status: criteria provided, single submitter. Criteria: Quest Diagnostics criteria. Collection method: clinical testing. Allele origin: unknown.

Color Diagnostics, LLC DBA Color Health
Classification: Likely benign for Hereditary cancer-predisposing syndrome. Last evaluated: 2021-07-26. Review status: criteria provided, single submitter. Criteria: ACMG Guidelines, 2015. Collection method: clinical testing. Allele origin: germline.

Ambry Genetics
Classification: Likely benign for Hereditary cancer-predisposing syndrome. Last evaluated: 2017-06-26. Review status: criteria provided, single submitter. Criteria: Ambry Variant Classification Scheme 2023. Collection method: clinical testing. Allele origin: germline.

Women's Health and Genetics/Laboratory Corporation of America, LabCorp
Classification: Benign for Hereditary non-polyposis colon cancer. Last evaluated: 2011-08-18. Review status: criteria provided, single submitter. Criteria: LabCorp Variant Classification Summary - May 2015. Collection method: curation. Allele origin: germline. Inheritance: autosomal unknown. Affected: yes.
ClinVar note: Converted during submission from benign to Benign.

Counsyl
Classification: Likely benign for Lynch syndrome 5. Last evaluated: 2017-03-15. Review status: no assertion criteria provided. Collection method: clinical testing. Allele origin: unknown. Not counted in ClinVar's aggregate classification.

NM_000179.3(MSH6):c.3852G>T (p.Thr1284=)

Gene: MSH6 (mutS homolog 6; plus strand). Cytogenetic location: 2p16.3.
Variant type: single nucleotide variant.
Coding change: c.3852G>T on transcript NM_000179.3 (MANE Select); coding-DNA position 3852, G replaced by T.
Protein change: p.Thr1284=; no amino-acid change (threonine 1284 retained).
Molecular consequence: synonymous variant.
Genome position (GRCh38, 1-based): chr2:47,806,502, G>T. VCF-style: chr2-47806502-G-T. GRCh37 (hg19) VCF-style: chr2-48033641-G-T.
Other names: c.3462G>T, p.Thr1154= (NM_001281492.2); c.2946G>T, p.Thr982= (NM_001281493.2, NM_001281494.2).
Identifiers: ClinVar variation 36595 (VCV000036595.24), dbSNP rs2229018, ClinGen allele CA014605.